The following is an entry in ClinVar:

NM_001377.3(DYNC2H1):c.3556G>A (p.Glu1186Lys)

Gene: DYNC2H1 (dynein cytoplasmic 2 heavy chain 1; plus strand). Cytogenetic location: 11q22.3.
Variant type: single nucleotide variant.
Coding change: c.3556G>A on transcript NM_001377.3 (MANE Select); coding-DNA position 3556, G replaced by A.
Protein change: p.Glu1186Lys; replaces glutamic acid 1186 with lysine.
Molecular consequence: missense variant.
Genome position (GRCh38, 1-based): chr11:103,154,792, G>A. VCF-style: chr11-103154792-G-A. GRCh37 (hg19) VCF-style: chr11-103025521-G-A.
Other names: c.3556G>A, p.Glu1186Lys (NM_001080463.2); short protein forms E1186K.
Identifiers: ClinVar variation 1997576 (VCV001997576.3), dbSNP rs1198418177, ClinGen allele CA382273603.

ClinVar aggregate classification (germline): Uncertain significance. Review status: criteria provided, multiple submitters, no conflicts (2 of 4 stars). 2 submissions from 2 submitters: Uncertain significance (2). Last evaluated 2025-01-27.

Conditions:
Jeune thoracic dystrophy. Also called: Short-rib thoracic dysplasia; Jeune syndrome; Infantile thoracic dystrophy; Thoracic pelvic phalangeal dystrophy; Jeune's syndrome; Chondroectodermal dysplasia-like syndrome. Identifiers: Orphanet 474, MedGen C0265275, MONDO:0018770.

Allele frequency attached by ClinVar (database versions not stated): gnomAD 0.00001; gnomAD exomes 0.00001; TOPMed 0.00002; 1000 Genomes Project 30x 0.00016.
gnomAD v4.1: 17 of 1,547,126 alleles (0.0011%); highest among the groups gnomAD compares: Non-Finnish European, 0.0015%; no homozygotes.

Submissions (2):

Labcorp Genetics (formerly Invitae), Labcorp
Classification: Uncertain significance for Jeune thoracic dystrophy. Last evaluated: 2025-01-27. Review status: criteria provided, single submitter. Criteria: Invitae Variant Classification Sherloc (09022015). Collection method: clinical testing. Allele origin: germline.
Comment: This sequence change replaces glutamic acid, which is acidic and polar, with lysine, which is basic and polar, at codon 1186 of the DYNC2H1 protein (p.Glu1186Lys). The frequency data for this variant in the population databases is considered unreliable, as metrics indicate poor data quality at this position in the gnomAD database. This variant has not been reported in the literature in individuals affected with DYNC2H1-related conditions. ClinVar contains an entry for this variant (Variation ID: 1997576). Invitae Evidence Modeling of protein sequence and biophysical properties (such as structural, functional, and spatial information, amino acid conservation, physicochemical variation, residue mobility, and thermodynamic stability) has been performed for this missense variant. However, the output from this modeling did not meet the statistical confidence thresholds required to predict the impact of this variant on DYNC2H1 protein function. In summary, the available evidence is currently insufficient to determine the role of this variant in disease. Therefore, it has been classified as a Variant of Uncertain Significance.

Blueprint Genetics
Classification: Uncertain significance. Last evaluated: 2022-09-20. Review status: criteria provided, single submitter. Criteria: ACMG Guidelines, 2015. Collection method: clinical testing. Allele origin: germline.